The following is an entry in ClinVar:

NM_018036.7(ATG2B):c.2819C>T (p.Thr940Met)

Gene: ATG2B (autophagy related 2B; minus strand). Cytogenetic location: 14q32.2.
Variant type: single nucleotide variant.
Coding change: c.2819C>T on transcript NM_018036.7 (MANE Select); coding-DNA position 2819, C replaced by T.
Protein change: p.Thr940Met; replaces threonine 940 with methionine.
Molecular consequence: missense variant.
Genome position (GRCh38, 1-based): chr14:96,322,172, G>A on the plus strand (C>T on the coding strand, the complement: ATG2B is on the minus strand). VCF-style: chr14-96322172-G-A. GRCh37 (hg19) VCF-style: chr14-96788509-G-A.
Other names: short protein forms T940M.
Identifiers: ClinVar variation 3045383 (VCV003045383.2), dbSNP rs111925275, ClinGen allele CA7336381.
Genomic context (GRCh38, chr14:96,322,172, plus strand): 5'-CTATTATAAAGCTTCTCATAAAAGCTCTTATTAGGTAGTGTTACATAAATATTTGGTAAC[G>A]TAAGTTCCAGCACATAGTGAGAATTGCTGATTGCTTTATCCTGAAATTCTGTCATTTCTA-3'
Protein context (NP_060506.6, residues 930-950): ISNSHYVLEL[Thr940Met]LPNIYVTLPN

ClinVar aggregate classification (germline): Likely benign (0 of 4 stars; one submission).

Conditions:
ATG2B-related disorder. Also called: ATG2B-related condition.

Allele frequency attached by ClinVar (database versions not stated): gnomAD exomes 0.00009; ExAC 0.00049; 1000 Genomes Project 30x 0.00062; 1000 Genomes Project 0.00080; gnomAD 0.00119; TOPMed 0.00151; ESP Exome Variant Server 0.00160.
gnomAD v4.1: 318 of 1,575,808 alleles (0.02%); highest among the groups gnomAD compares: African/African-American, 0.34%; 1 homozygote.

Submission:

PreventionGenetics, part of Exact Sciences
Classification: Likely benign for ATG2B-related condition. Last evaluated: 2022-07-28. Review status: no assertion criteria provided. Collection method: clinical testing. Allele origin: germline.
Comment: This variant is classified as likely benign based on ACMG/AMP sequence variant interpretation guidelines (Richards et al. 2015 PMID: 25741868, with internal and published modifications).